The following is an entry in ClinVar:

ClinVar aggregate classification (germline): Pathogenic (1 of 4 stars; one submission).

Allele frequency attached by ClinVar (database versions not stated): gnomAD exomes below 0.00001.

Submission:

Labcorp Genetics (formerly Invitae), Labcorp
Classification: Pathogenic. Last evaluated: 2023-02-01. Review status: criteria provided, single submitter. Criteria: Invitae Variant Classification Sherloc (09022015). Collection method: clinical testing. Allele origin: germline.
Comment: For these reasons, this variant has been classified as Pathogenic. This variant has not been reported in the literature in individuals affected with ANO10-related conditions. This variant is present in population databases (no rsID available, gnomAD 0.009%). This sequence change creates a premature translational stop signal (p.Ser13Ilefs*9) in the ANO10 gene. It is expected to result in an absent or disrupted protein product. Loss-of-function variants in ANO10 are known to be pathogenic (PMID: 25089919).

Literature cited by the submitters: PubMed 25089919.

NM_018075.5(ANO10):c.38del (p.Ser13fs)

Gene: ANO10 (anoctamin 10; minus strand). Cytogenetic location: 3p21.33.
Variant type: Deletion.
Coding change: c.38del on transcript NM_018075.5 (MANE Select); coding-DNA position 38, one base deleted (G; older notation c.38delG).
Protein change: p.Ser13fs; shifts the reading frame from serine 13.
Molecular consequence: frameshift variant.
Genome position (GRCh38, 1-based): chr3:43,605,815, C deleted on the plus strand (G on the coding strand, the reverse complement: ANO10 is on the minus strand). VCF-style (leftmost placement, unchanged base first): chr3-43605814-AC-A. GRCh37 (hg19) VCF-style: chr3-43647306-AC-A.
Other names: c.38del, p.Ser13fs (NM_001204833.3, NM_001204834.3, NM_001346463.2 and 8 more transcripts); short protein forms S13fs.
Identifiers: ClinVar variation 2878503 (VCV002878503.3), dbSNP rs1176505942, ClinGen allele CA542621652.
Genomic context (GRCh38, chr3:43,605,814, plus strand): 5'-TTCTTTGGTTTCTTCTTTGACATCCTGAGCAAGTTCTATGACCACCAAAGGTGTGAAAGA[AC>A]TCTCAGAAGTATCCAAAGCTGATAAGGTCACTTTCATCTTTGACAAATCTGCGGAAAATT-3'